The following is an entry in ClinVar:

NM_001376232.1(ZP2):c.101C>T (p.Thr34Ile)

Gene: ZP2 (zona pellucida glycoprotein 2; minus strand). Cytogenetic location: 16p12.2.
Variant type: single nucleotide variant.
Coding change: c.101C>T on transcript NM_001376232.1 (MANE Select); coding-DNA position 101, C replaced by T.
Protein change: p.Thr34Ile; replaces threonine 34 with isoleucine.
Molecular consequence: missense variant. On other transcripts: non-coding transcript variant (1).
Genome position (GRCh38, 1-based): chr16:21,211,357, G>A on the plus strand (C>T on the coding strand, the complement: ZP2 is on the minus strand). VCF-style: chr16-21211357-G-A. GRCh37 (hg19) VCF-style: chr16-21222678-G-A.
Other names: c.101C>T, p.Thr34Ile (NM_001376231.1, NM_001376233.1, NM_003460.2); short protein forms T34I.
Identifiers: ClinVar variation 4867077 (VCV004867077.2).
Genomic context (GRCh38, chr16:21,211,357, plus strand): 5'-AGAGACATACCTGGAAAGGCAGGATTTACCAACTGAGAAACATCTATGGAGTTCCCTGAA[G>A]TCACAAGGGCGAAGAAGAGAGAAATCGACCTGTAGGTGCTGGAAAGAGACAGGGAGATAG-3'
Protein context (NP_001363161.1, residues 24-44): RSISLFFALV[Thr34Ile]SGNSIDVSQL

ClinVar aggregate classification (germline): Uncertain significance. Review status: criteria provided, multiple submitters, no conflicts (2 of 4 stars). 2 submissions from 2 submitters: Uncertain significance (2). Last evaluated 2026-03-19.

Conditions:
Oocyte maturation defect 6. Also called: OOCYTE/ZYGOTE/EMBRYO MATURATION ARREST 6. Identifiers: MedGen C5193047, MONDO:0032696, OMIM 618353.

gnomAD v4.1: 19 of 1,614,046 alleles (0.0012%); highest among the groups gnomAD compares: East Asian, 0.042%; no homozygotes.

Submissions (2):

Ambry Genetics
Classification: Uncertain significance. Last evaluated: 2026-03-19. Review status: criteria provided, single submitter. Criteria: Ambry Variant Classification Scheme 2023. Collection method: clinical testing. Allele origin: germline.

Juno Genomics, Hangzhou Juno Genomics, Inc
Classification: Uncertain significance for Oocyte maturation defect 6. Review status: criteria provided, single submitter. Criteria: ACMG Guidelines, 2015. Collection method: clinical testing. Allele origin: germline. Affected: yes.
Comment: Absent from controls (or at extremely low frequency if recessive) in Genome Aggregation Database.;Multiple lines of computational evidence support a deleterious effect on the gene or gene product.;For recessive disorders, detected in trans with a pathogenic variant.;Patient's phenotype or family history is highly specific for a disease with a single genetic etiology.